The following is an entry in ClinVar:

NM_001388303.1(HECTD4):c.11748C>T (p.Pro3916=)

Gene: HECTD4 (HECT domain E3 ubiquitin protein ligase 4; minus strand). Cytogenetic location: 12q24.13.
Variant type: single nucleotide variant.
Coding change: c.11748C>T on transcript NM_001388303.1 (MANE Select); coding-DNA position 11748, C replaced by T.
Protein change: p.Pro3916=; no amino-acid change (proline 3916 retained).
Molecular consequence: synonymous variant.
Genome position (GRCh38, 1-based): chr12:112,172,708, G>A on the plus strand (C>T on the coding strand, the complement: HECTD4 is on the minus strand). VCF-style: chr12-112172708-G-A. GRCh37 (hg19) VCF-style: chr12-112610512-G-A.
Other names: c.11778C>T, p.Pro3926= (NM_001109662.4).
Identifiers: ClinVar variation 3234332 (VCV003234332.20), dbSNP rs369083291, ClinGen allele CA6795899.

ClinVar aggregate classification (germline): Likely benign (1 of 4 stars; one submission).

Allele frequency attached by ClinVar (database versions not stated): ExAC 0.00011; 1000 Genomes Project 30x 0.00016; ESP Exome Variant Server 0.00016; 1000 Genomes Project 0.00020; gnomAD 0.00020; TOPMed 0.00020; gnomAD exomes 0.00027.
gnomAD v4.1: 422 of 1,614,002 alleles (0.026%); highest among the groups gnomAD compares: Non-Finnish European, 0.034%; no homozygotes.

Submission:

CeGaT Center for Human Genetics Tuebingen
Classification: Likely benign. Last evaluated: 2024-04-01. Review status: criteria provided, single submitter. Criteria: CeGaT Center For Human Genetics Tuebingen Variant Classification Criteria Version 2. Collection method: clinical testing. Allele origin: germline. Affected: yes. Observed: 1 variant allele.
Comment: HECTD4: BP4, BP7